The following is an entry in ClinVar:

ClinVar aggregate classification (germline): Uncertain significance (1 of 4 stars; one submission).

Conditions:
Cardiovascular phenotype. Identifiers: MedGen CN230736.

Allele frequency attached by ClinVar (database versions not stated): TOPMed 0.00001; gnomAD 0.00002; gnomAD exomes 0.00002; ExAC 0.00003.
gnomAD v4.1: 35 of 1,583,918 alleles (0.0022%); highest among the groups gnomAD compares: Non-Finnish European, 0.0029%; no homozygotes.

Submission:

Ambry Genetics
Classification: Uncertain significance for Cardiovascular phenotype. Last evaluated: 2020-01-07. Review status: criteria provided, single submitter. Criteria: Ambry Variant Classification Scheme 2023. Collection method: clinical testing. Allele origin: germline.
Comment: The p.H8279R variant (also known as c.24836A>G), located in coding exon 100 of the TTN gene, results from an A to G substitution at nucleotide position 24836. The histidine at codon 8279 is replaced by arginine, an amino acid with highly similar properties. This amino acid position is highly conserved in available vertebrate species. In addition, this alteration is predicted to be tolerated by in silico analysis. Since supporting evidence is limited at this time, the clinical significance of this alteration remains unclear.

NM_001267550.2(TTN):c.52031A>G (p.His17344Arg)

Genes: TTN (titin; minus strand), TTN-AS1 (TTN antisense RNA 1; plus strand). Cytogenetic location: 2q31.2.
Variant type: single nucleotide variant.
Coding change: c.52031A>G on transcript NM_001267550.2 (MANE Select); coding-DNA position 52031, A replaced by G.
Protein change: p.His17344Arg; replaces histidine 17344 with arginine.
Molecular consequence: missense variant.
Genome position (GRCh38, 1-based): chr2:178,609,279, T>C on the plus strand (A>G on the coding strand, the complement: TTN is on the minus strand). VCF-style: chr2-178609279-T-C. GRCh37 (hg19) VCF-style: chr2-179474006-T-C.
Other names: c.47108A>G, p.His15703Arg (NM_001256850.1); c.24836A>G, p.His8279Arg (NM_003319.4); c.44327A>G, p.His14776Arg (NM_133378.4); c.25211A>G, p.His8404Arg (NM_133432.3); c.25412A>G, p.His8471Arg (NM_133437.4); short protein forms H15703R, H17344R, H8471R, H14776R, H8279R, H8404R.
Identifiers: ClinVar variation 1791948 (VCV001791948.2), dbSNP rs748445315, ClinGen allele CA1994075.